The following is an entry in ClinVar:

NM_173689.7(CRB2):c.2400C>A (p.Asn800Lys)

Gene: CRB2 (crumbs cell polarity complex component 2; plus strand). Cytogenetic location: 9q33.3.
Variant type: single nucleotide variant.
Coding change: c.2400C>A on transcript NM_173689.7 (MANE Select); coding-DNA position 2400, C replaced by A.
Protein change: p.Asn800Lys; replaces asparagine 800 with lysine.
Molecular consequence: missense variant. On other transcripts: non-coding transcript variant (1).
Genome position (GRCh38, 1-based): chr9:123,371,542, C>A. VCF-style: chr9-123371542-C-A. GRCh37 (hg19) VCF-style: chr9-126133821-C-A.
Other names: short protein forms N800K.
Identifiers: ClinVar variation 4857040 (VCV004857040.1).

ClinVar aggregate classification (germline): Pathogenic (1 of 4 stars; one submission).

Conditions:
Ventriculomegaly-cystic kidney disease. Also called: Ventriculomegaly with cystic kidney disease. Identifiers: Orphanet 443988, MedGen C1857423, MONDO:0009063, OMIM 219730.

gnomAD v4.1: 12 of 1,613,132 alleles (0.00074%); highest among the groups gnomAD compares: South Asian, 0.0011%; no homozygotes.

Submission:

Molecular Genetics laboratory, Necker Hospital
Classification: Pathogenic for Ventriculomegaly-cystic kidney disease. Last evaluated: 2026-06-20. Review status: criteria provided, single submitter. Criteria: ACMG Guidelines, 2015. Collection method: clinical testing. Allele origin: paternal, maternal. Affected: yes. Observed: 2 variant alleles.
Comment: The NM_173689.7(CRB2):c.2400C>A is a missense variant in CRB2 which replaces the Asparagine (a polar uncharged aminoacid) at position 800 with a Lysine (a positively charged aminoacid). This variant is not present in gnomAD (PM2; version 4.1.1) and multiple lines of computational evidence support a deleterious effect on the gene (PP3). This variant is located in a known functional domain without being a benign variation (PM1) and has already been reported as Pathogenic in Clinvar (variation ID: 546072, PS1). This variant has been detected in trans with the likely pathogenic variant NM_173689.7(CRB2):c.2325C>A in one fetus in one family (PM3) and with the likely pathogenic variant NM_173689.7(CRB2):c.3089_3104dup in two fetal sibs in another family (PP1). In summary, this variant meets criteria to be classified as pathogenic for ventriculomegaly with cystic kidney disease based on the ACMG/AMP criteria applied: PS1, PM1, PM2, PM3, PP1, PP3 (PMID: 25741868).